The following is an entry in ClinVar:

ClinVar aggregate classification (germline): Uncertain significance (1 of 4 stars; one submission).

Conditions:
Primary dilated cardiomyopathy (DCM). Also called: Dilated Cardiomyopathy. Identifiers: Orphanet 217604, MedGen C0007193, MeSH D002311, MONDO:0005021, HP:0001644. Inheritance: Various modes of inheritance.

Submission:

Labcorp Genetics (formerly Invitae), Labcorp
Classification: Uncertain significance for Primary dilated cardiomyopathy. Last evaluated: 2024-10-16. Review status: criteria provided, single submitter. Criteria: Invitae Variant Classification Sherloc (09022015). Collection method: clinical testing. Allele origin: germline.
Comment: This sequence change affects a splice site in intron 6 of the TXNRD2 gene. It is expected to disrupt RNA splicing. Variants that disrupt the donor or acceptor splice site typically lead to a loss of protein function (PMID: 16199547), however the current clinical and genetic evidence is not sufficient to establish whether loss-of-function variants in TXNRD2 cause disease. This variant is not present in population databases (gnomAD no frequency). This variant has not been reported in the literature in individuals affected with TXNRD2-related conditions. ClinVar contains an entry for this variant (Variation ID: 2144333). Algorithms developed to predict the effect of sequence changes on RNA splicing suggest that this variant may disrupt the consensus splice site. In summary, the available evidence is currently insufficient to determine the role of this variant in disease. Therefore, it has been classified as a Variant of Uncertain Significance.

Literature cited by the submitters: PubMed 16199547.

NM_006440.5(TXNRD2):c.529-3_529-2del

Gene: TXNRD2 (thioredoxin reductase 2; minus strand). Cytogenetic location: 22q11.21.
Variant type: Deletion.
Coding change: c.529-3_529-2del on transcript NM_006440.5 (MANE Select); 3 bases into the intron before coding-DNA position 529 through the canonical splice acceptor site of the intron before coding-DNA position 529, 2 bases deleted (CA; older notation c.529-3_529-2delCA).
Molecular consequence: splice acceptor variant.
Genome position (GRCh38, 1-based): chr22:19,915,278-19,915,279, TG deleted on the plus strand (CA on the coding strand, the reverse complement: TXNRD2 is on the minus strand). VCF-style (leftmost placement, unchanged base first): chr22-19915277-CTG-C. GRCh37 (hg19) VCF-style: chr22-19902800-CTG-C.
Other names: c.526-3_526-2del (NM_001352300.2); c.241-3_241-2del (NM_001352302.2); c.439-3_439-2del (NM_001352301.2); c.529-3_529-2del (NM_001282512.3); c.433-3_433-2del (NM_001352303.2).
Identifiers: ClinVar variation 2144333 (VCV002144333.4), dbSNP rs2517379785, ClinGen allele CA2580099118.